The following is an entry in ClinVar:

NM_013254.4(TBK1):c.495A>C (p.Glu165Asp)

Gene: TBK1 (TANK binding kinase 1; plus strand). Cytogenetic location: 12q14.2.
Variant type: single nucleotide variant.
Coding change: c.495A>C on transcript NM_013254.4 (MANE Select); coding-DNA position 495, A replaced by C.
Protein change: p.Glu165Asp; replaces glutamic acid 165 with aspartic acid.
Molecular consequence: missense variant.
Genome position (GRCh38, 1-based): chr12:64,467,037, A>C. VCF-style: chr12-64467037-A-C. GRCh37 (hg19) VCF-style: chr12-64860817-A-C.
Other names: short protein forms E165D.
Identifiers: ClinVar variation 4763332 (VCV004763332.1).

ClinVar aggregate classification (germline): Uncertain significance (1 of 4 stars; one submission).

Conditions:
Frontotemporal dementia and/or amyotrophic lateral sclerosis 4. Also called: FTDALS4. Identifiers: Orphanet 275872, MedGen C4225325, MONDO:0014641, OMIM 616439.

gnomAD v4.1: 3 of 1,610,804 alleles (0.00019%); highest among the groups gnomAD compares: East Asian, 0.0067%; no homozygotes.

Submission:

Labcorp Genetics (formerly Invitae), Labcorp
Classification: Uncertain significance for Frontotemporal dementia and/or amyotrophic lateral sclerosis 4. Last evaluated: 2025-07-02. Review status: criteria provided, single submitter. Criteria: Invitae Variant Classification Sherloc (09022015). Collection method: clinical testing. Allele origin: germline.
Comment: This sequence change replaces glutamic acid, which is acidic and polar, with aspartic acid, which is acidic and polar, at codon 165 of the TBK1 protein (p.Glu165Asp). This variant is present in population databases (no rsID available, gnomAD 0.02%). This variant has not been reported in the literature in individuals affected with TBK1-related conditions. Invitae Evidence Modeling of protein sequence and biophysical properties (such as structural, functional, and spatial information, amino acid conservation, physicochemical variation, residue mobility, and thermodynamic stability) indicates that this missense variant is not expected to disrupt TBK1 protein function with a negative predictive value of 95%. In summary, the available evidence is currently insufficient to determine the role of this variant in disease. Therefore, it has been classified as a Variant of Uncertain Significance.